The following is an entry in ClinVar:

ClinVar aggregate classification (germline): Uncertain significance. Review status: criteria provided, multiple submitters, no conflicts (2 of 4 stars). 2 submissions from 2 submitters: Uncertain significance (2). Last evaluated 2025-09-17.

Conditions:
Mitochondrial disease. Also called: Mitochondrial disorder; Mitochondrial disorders. Identifiers: Orphanet 68380, MedGen C0751651, MeSH D028361, MONDO:0044970.

gnomAD v4.1: 3 of 1,614,104 alleles (0.00019%); highest among the groups gnomAD compares: Admixed American, 0.0017%; no homozygotes.

Submissions (2):

Labcorp Genetics (formerly Invitae), Labcorp
Classification: Uncertain significance. Last evaluated: 2025-09-17. Review status: criteria provided, single submitter. Criteria: Invitae Variant Classification Sherloc (09022015). Collection method: clinical testing. Allele origin: germline.
Comment: This sequence change replaces valine, which is neutral and non-polar, with leucine, which is neutral and non-polar, at codon 368 of the TWNK protein (p.Val368Leu). This variant is present in population databases (rs17113613, gnomAD 0.003%). This variant has not been reported in the literature in individuals affected with TWNK-related conditions. Invitae Evidence Modeling of protein sequence and biophysical properties (such as structural, functional, and spatial information, amino acid conservation, physicochemical variation, residue mobility, and thermodynamic stability) has been performed for this missense variant. However, the output from this modeling did not meet the statistical confidence thresholds required to predict the impact of this variant on TWNK protein function. In summary, the available evidence is currently insufficient to determine the role of this variant in disease. Therefore, it has been classified as a Variant of Uncertain Significance.

Illumina Laboratory Services, Illumina
Classification: Uncertain significance for Mitochondrial disease. Last evaluated: 2024-01-17. Review status: criteria provided, single submitter. Criteria: ISL SNV Classification Criteria 03 February 2026. Collection method: clinical testing. Allele origin: unknown.
Comment: The TWNK c.1102G>T p.(Val368Leu) missense variant has not, to our knowledge, been reported in the peer-reviewed literature. This variant is not observed at a significant frequency in version 2.1.1 or version 4.0.0 of the Genome Aggregation Database. Based on the available evidence, the c.1102G>T p.(Val368Leu) variant is classified as a variant of uncertain significance for primary mitochondrial disease.

NM_021830.5(TWNK):c.1102G>T (p.Val368Leu)

Gene: TWNK (twinkle mtDNA helicase; plus strand). Cytogenetic location: 10q24.31.
Variant type: single nucleotide variant.
Coding change: c.1102G>T on transcript NM_021830.5 (MANE Select); coding-DNA position 1102, G replaced by T.
Protein change: p.Val368Leu; replaces valine 368 with leucine.
Molecular consequence: missense variant. On other transcripts: intron variant (3), non-coding transcript variant (4).
Genome position (GRCh38, 1-based): chr10:100,989,312, G>T. VCF-style: chr10-100989312-G-T. GRCh37 (hg19) VCF-style: chr10-102749069-G-T.
Other names: c.-119-332G>T (NM_001163814.2, NM_001163813.2); c.-57-394G>T (NM_001368275.1); c.1102G>T, p.Val368Leu (NM_001163812.2); short protein forms V368L.
Identifiers: ClinVar variation 4700017 (VCV004700017.1).